The following is an entry in ClinVar:

ClinVar aggregate classification (germline): Pathogenic (1 of 4 stars; one submission).

Conditions:
Brain small vessel disease 1 with or without ocular anomalies (BSVD1). Also called: Brain small vessel disease with or without ocular anomalies; BRAIN SMALL VESSEL DISEASE WITH HEMORRHAGE; GOULD SYNDROME 1; PORENCEPHALY, TYPE 1, AUTOSOMAL DOMINANT. Identifiers: Orphanet 2940, Orphanet 36383, Orphanet 99810, MedGen C4755307, MONDO:0008289, OMIM 175780.

Submission:

Victorian Clinical Genetics Services, Murdoch Childrens Research Institute
Classification: Pathogenic for Brain small vessel disease 1 with or without ocular anomalies. Last evaluated: 2025-07-09. Review status: criteria provided, single submitter. Criteria: ACMG Guidelines, 2015. Collection method: clinical testing. Allele origin: germline. Affected: yes.
Comment: This variant is classified as Pathogenic. Evidence in support of pathogenic classification: Variant is predicted to cause nonsense-mediated decay (NMD) and loss of protein (premature termination codon is located at least 54 nucleotides upstream of the final exon-exon junction); Variant is absent from gnomAD (v2, v3 and v4); Other NMD-predicted variants comparable to the one identified in this case have very strong previous evidence for pathogenicity. Multiple NMD-predicted variants have been reported as likely pathogenic or pathogenic in Clinvar. Additional information: This variant is heterozygous; This gene is associated with autosomal dominant disease; This variant has no previous evidence of pathogenicity; No published evidence of segregation with disease has been identified for this variant; No published functional evidence has been identified for this variant; Loss of function is a known mechanism of disease in this gene and is associated with COL4A1-related disorder (MONDO:0800461). Glycine substitutions affecting the Gly-X-Y repeat motif are known to have a dominant-negative mechanism of disease in other collagen genes, but conclusive functional evidence of a dominant-negative mechanism in this gene is not available (PMID: 16159887, 1867713, 23225343); The condition associated with this gene has incomplete penetrance (PMID: 21625620, 30413629); Variants in this gene are known to have variable expressivity. Broad intra and interfamilial variation has been described in a number of affected families (PMID: 25719457).

Literature cited by the submitters: PubMed 23225343; PubMed 30413629; PubMed 1867713; PubMed 16159887; PubMed 25719457; PubMed 21625620.

NM_001845.6(COL4A1):c.4577_4578del (p.Pro1526fs)

Gene: COL4A1 (collagen type IV alpha 1 chain; minus strand). Cytogenetic location: 13q34.
Variant type: Deletion.
Coding change: c.4577_4578del on transcript NM_001845.6 (MANE Select); coding-DNA positions 4577 to 4578, 2 bases deleted (CT; older notation c.4577_4578delCT).
Protein change: p.Pro1526fs; shifts the reading frame from proline 1526.
Molecular consequence: frameshift variant.
Genome position (GRCh38, 1-based): chr13:110,161,254-110,161,255, AG deleted on the plus strand (CT on the coding strand, the reverse complement: COL4A1 is on the minus strand). VCF-style (leftmost placement, unchanged base first): chr13-110161253-CAG-C. GRCh37 (hg19) VCF-style: chr13-110813600-CAG-C.
Other names: short protein forms P1526fs.
Identifiers: ClinVar variation 4531441 (VCV004531441.1).